The following is an entry in ClinVar:

NM_006648.4(WNK2):c.5771G>A (p.Arg1924His)

Gene: WNK2 (WNK lysine deficient protein kinase 2; plus strand). Cytogenetic location: 9q22.31.
Variant type: single nucleotide variant.
Coding change: c.5771G>A on transcript NM_006648.4 (MANE Select); coding-DNA position 5771, G replaced by A.
Protein change: p.Arg1924His; replaces arginine 1924 with histidine.
Molecular consequence: missense variant.
Genome position (GRCh38, 1-based): chr9:93,297,915, G>A. VCF-style: chr9-93297915-G-A. GRCh37 (hg19) VCF-style: chr9-96060197-G-A.
Other names: c.5882G>A, p.Arg1961His (NM_001282394.3); short protein forms R1924H, R1961H.
Identifiers: ClinVar variation 3470123 (VCV003470123.1).

ClinVar aggregate classification (germline): Uncertain significance (1 of 4 stars; one submission).

gnomAD v4.1: 11 of 1,588,898 alleles (0.00069%); highest among the groups gnomAD compares: South Asian, 0.0011%; no homozygotes.

Submission:

Ambry Genetics
Classification: Uncertain significance. Last evaluated: 2024-10-15. Review status: criteria provided, single submitter. Criteria: Ambry Variant Classification Scheme 2023. Collection method: clinical testing. Allele origin: germline.
Comment: The p.R1924H variant (also known as c.5771G>A), located in coding exon 23 of the WNK2 gene, results from a G to A substitution at nucleotide position 5771. The arginine at codon 1924 is replaced by histidine, an amino acid with highly similar properties. This amino acid position is conserved. In addition, this alteration is predicted to be tolerated by in silico analysis. Based on the available evidence, the clinical significance of this variant remains unclear.